The following is an entry in ClinVar:

NC_000006.11:g.(?_129601186)_(129637336_?)dup

Gene: LAMA2 (laminin subunit alpha 2; plus strand). Cytogenetic location: 6q22.33.
Variant type: Duplication.
Identifiers: ClinVar variation 2423064 (VCV002423064.5).

ClinVar aggregate classification (germline): Uncertain significance (1 of 4 stars; one submission).

Conditions:
LAMA2-related muscular dystrophy (LAMA2-RD). Also called: Laminin alpha 2-related dystrophy. Identifiers: MedGen C5679788, MONDO:0100228.

Submission:

Labcorp Genetics (formerly Invitae), Labcorp
Classification: Uncertain significance for LAMA2-related muscular dystrophy. Last evaluated: 2022-05-10. Review status: criteria provided, single submitter. Criteria: Invitae Variant Classification Sherloc (09022015). Collection method: clinical testing. Allele origin: germline.
Comment: This variant results in a copy number gain of the genomic region encompassing exon(s) 18-27 of the LAMA2 gene. While the exact position of this variant cannot be determined from the data, sub-genic copy number gains are generally in tandem (PMID: 25640679). This variant is predicted to be in-frame, and likely preserves the integrity of the reading frame. This variant has not been reported in the literature in individuals affected with LAMA2-related conditions. Experimental studies and prediction algorithms are not available or were not evaluated, and the functional significance of this variant is currently unknown. In summary, the available evidence is currently insufficient to determine the role of this variant in disease. Therefore, it has been classified as a Variant of Uncertain Significance.

Literature cited by the submitters: PubMed 25640679.